The following is an entry in ClinVar:

ClinVar aggregate classification (germline): Uncertain significance (1 of 4 stars; one submission).

Allele frequency attached by ClinVar (database versions not stated): ExAC 0.00001; TOPMed 0.00001.

Submission:

Labcorp Genetics (formerly Invitae), Labcorp
Classification: Uncertain significance. Last evaluated: 2023-08-17. Review status: criteria provided, single submitter. Criteria: Invitae Variant Classification Sherloc (09022015). Collection method: clinical testing. Allele origin: germline.
Comment: In summary, the available evidence is currently insufficient to determine the role of this variant in disease. Therefore, it has been classified as a Variant of Uncertain Significance. Advanced modeling of protein sequence and biophysical properties (such as structural, functional, and spatial information, amino acid conservation, physicochemical variation, residue mobility, and thermodynamic stability) performed at Invitae indicates that this missense variant is not expected to disrupt SLC25A19 protein function. ClinVar contains an entry for this variant (Variation ID: 1966538). This variant has not been reported in the literature in individuals affected with SLC25A19-related conditions. This variant is present in population databases (rs761241754, gnomAD 0.003%). This sequence change replaces alanine, which is neutral and non-polar, with threonine, which is neutral and polar, at codon 19 of the SLC25A19 protein (p.Ala19Thr).

NM_001126121.2(SLC25A19):c.55G>A (p.Ala19Thr)

Gene: SLC25A19 (solute carrier family 25 member 19; minus strand). Cytogenetic location: 17q25.1.
Variant type: single nucleotide variant.
Coding change: c.55G>A on transcript NM_001126121.2 (MANE Select); coding-DNA position 55, G replaced by A.
Protein change: p.Ala19Thr; replaces alanine 19 with threonine.
Molecular consequence: missense variant.
Genome position (GRCh38, 1-based): chr17:75,286,710, C>T on the plus strand (G>A on the coding strand, the complement: SLC25A19 is on the minus strand). VCF-style: chr17-75286710-C-T. GRCh37 (hg19) VCF-style: chr17-73282791-C-T.
Other names: c.55G>A, p.Ala19Thr (NM_001126122.2, NM_021734.5); short protein forms A19T.
Identifiers: ClinVar variation 1966538 (VCV001966538.5), dbSNP rs761241754, ClinGen allele CA8761111.